The following is an entry in ClinVar:

ClinVar aggregate classification (germline): Benign/Likely benign. Review status: criteria provided, multiple submitters, no conflicts (2 of 4 stars). 3 submissions from 3 submitters: Benign (1); Likely benign (2). Last evaluated 2024-11-05.

Conditions:
Hereditary cancer-predisposing syndrome. Also called: Tumor predisposition; Hereditary Cancer Syndrome; Neoplastic Syndromes, Hereditary; Hereditary neoplastic syndrome. Identifiers: Orphanet 140162, MedGen C0027672, MeSH D009386, MONDO:0015356.
Multiple endocrine neoplasia, type 1 (MEN1). Also called: MEA I; MEN I; WERMER SYNDROME; Endocrine adenomatosis multiple; MEN 1. Identifiers: Orphanet 652, MedGen C0025267, MeSH D018761, MONDO:0007540, OMIM 131100.

Allele frequency attached by ClinVar (database versions not stated): gnomAD exomes below 0.00001; TOPMed below 0.00001; gnomAD 0.00001.
gnomAD v4.1: 4 of 1,597,268 alleles (0.00025%); highest among the groups gnomAD compares: African/African-American, 0.004%; no homozygotes.

Submissions (3):

Myriad Genetics, Inc.
Classification: Benign for Multiple endocrine neoplasia, type 1. Last evaluated: 2024-11-05. Review status: criteria provided, single submitter. Criteria: Myriad Autosomal Dominant, Autosomal Recessive and X-Linked Classification Criteria (2023). Collection method: clinical testing. Allele origin: unknown.
Comment: This variant is considered benign. This variant is a silent/synonymous amino acid change and it is not expected to impact splicing.

Labcorp Genetics (formerly Invitae), Labcorp
Classification: Likely benign for Multiple endocrine neoplasia, type 1. Last evaluated: 2024-04-24. Review status: criteria provided, single submitter. Criteria: Invitae Variant Classification Sherloc (09022015). Collection method: clinical testing. Allele origin: germline.

Ambry Genetics
Classification: Likely benign for Hereditary cancer-predisposing syndrome. Last evaluated: 2022-02-22. Review status: criteria provided, single submitter. Criteria: Ambry Variant Classification Scheme 2023. Collection method: clinical testing. Allele origin: germline.

NM_001370259.2(MEN1):c.1497A>G (p.Ala499=)

Gene: MEN1 (menin 1; minus strand). Cytogenetic location: 11q13.1.
Variant type: single nucleotide variant.
Coding change: c.1497A>G on transcript NM_001370259.2 (MANE Select); coding-DNA position 1497, A replaced by G.
Protein change: p.Ala499=; no amino-acid change (alanine 499 retained).
Molecular consequence: synonymous variant.
Genome position (GRCh38, 1-based): chr11:64,804,670, T>C on the plus strand (A>G on the coding strand, the complement: MEN1 is on the minus strand). VCF-style: chr11-64804670-T-C. GRCh37 (hg19) VCF-style: chr11-64572142-T-C.
Other names: c.1512A>G, p.Ala504= (NM_000244.4, NM_130800.3, NM_130801.3 and 3 more transcripts); c.1623A>G, p.Ala541= (NM_001370251.2); c.1497A>G, p.Ala499= (NM_001370260.2, NM_001370261.2, NM_130799.3); c.1392A>G, p.Ala464= (NM_001370262.2, NM_001370263.2).
Identifiers: ClinVar variation 749992 (VCV000749992.14), dbSNP rs1057121245, ClinGen allele CA223911993.